The following is an entry in ClinVar:

ClinVar aggregate classification (germline): Likely benign (0 of 4 stars; one submission).

Conditions:
FGFR1-related disorder. Also called: FGFR1-related condition; FGFR1-related disorders. Identifiers: MedGen CN380097.

gnomAD v4.1: 1 of 1,614,186 alleles (0.000062%); highest among the groups gnomAD compares: African/African-American, 0.0013%; no homozygotes.

Submission:

PreventionGenetics, part of Exact Sciences
Classification: Likely benign for FGFR1-related condition. Last evaluated: 2024-09-16. Review status: no assertion criteria provided. Collection method: clinical testing. Allele origin: germline.
Comment: This variant is classified as likely benign based on ACMG/AMP sequence variant interpretation guidelines (Richards et al. 2015 PMID: 25741868, with internal and published modifications).

NM_023110.3(FGFR1):c.927G>A (p.Gln309=)

Gene: FGFR1 (fibroblast growth factor receptor 1; minus strand). Cytogenetic location: 8p11.23.
Variant type: single nucleotide variant.
Coding change: c.927G>A on transcript NM_023110.3 (MANE Select); coding-DNA position 927, G replaced by A.
Protein change: p.Gln309=; no amino-acid change (glutamine 309 retained).
Molecular consequence: synonymous variant.
Genome position (GRCh38, 1-based): chr8:38,424,518, C>T on the plus strand (G>A on the coding strand, the complement: FGFR1 is on the minus strand). VCF-style: chr8-38424518-C-T. GRCh37 (hg19) VCF-style: chr8-38282036-C-T.
Other names: c.927G>A, p.Gln309= (NM_001174063.2); c.903G>A, p.Gln301= (NM_001174064.2); c.921G>A, p.Gln307= (NM_001174065.2, NM_001354367.2, NM_001354369.2 and 2 more transcripts); c.660G>A, p.Gln220= (NM_001174066.2, NM_023105.3); c.1020G>A, p.Gln340= (NM_001174067.2); c.654G>A, p.Gln218= (NM_001354368.2, NM_001354370.2, NM_023106.3).
Identifiers: ClinVar variation 3353589 (VCV003353589.1).